The following is an entry in ClinVar:

NM_022552.5(DNMT3A):c.527G>A (p.Trp176Ter)

Gene: DNMT3A (DNA methyltransferase 3 alpha; minus strand). Cytogenetic location: 2p23.3.
Variant type: single nucleotide variant.
Coding change: c.527G>A on transcript NM_022552.5 (MANE Select); coding-DNA position 527, G replaced by A.
Protein change: p.Trp176Ter; replaces tryptophan 176 with a stop codon.
Molecular consequence: nonsense. On other transcripts: non-coding transcript variant (1).
Genome position (GRCh38, 1-based): chr2:25,275,053, C>T on the plus strand (G>A on the coding strand, the complement: DNMT3A is on the minus strand). VCF-style: chr2-25275053-C-T. GRCh37 (hg19) VCF-style: chr2-25497922-C-T.
Other names: c.527G>A, p.Trp176Ter (NM_175629.2); short protein forms W176*.
Identifiers: ClinVar variation 5019172 (VCV005019172.1).

ClinVar aggregate classification (germline): Likely pathogenic (1 of 4 stars; one submission).

Conditions:
Tatton-Brown-Rahman overgrowth syndrome. Also called: Tall stature-intellectual disability-facial dysmorphism syndrome; Tatton-Brown-Rahman syndrome. Identifiers: Orphanet 404443, MedGen C4014545, MONDO:0014382, OMIM 615879.

Submission:

Juno Genomics, Hangzhou Juno Genomics, Inc
Classification: Likely pathogenic for Tatton-Brown-Rahman overgrowth syndrome. Review status: criteria provided, single submitter. Criteria: ACMG Guidelines, 2015. Collection method: clinical testing. Allele origin: germline. Affected: yes.
Comment: Absent from controls (or at extremely low frequency if recessive) in Genome Aggregation Database.;Null variant in a gene where loss of function (LOF) is a known mechanism of disease.